The following is an entry in ClinVar:

NM_015136.3(STAB1):c.474T>C (p.Pro158=)

Gene: STAB1 (stabilin 1; plus strand). Cytogenetic location: 3p21.1.
Variant type: single nucleotide variant.
Coding change: c.474T>C on transcript NM_015136.3 (MANE Select); coding-DNA position 474, T replaced by C.
Protein change: p.Pro158=; no amino-acid change (proline 158 retained).
Molecular consequence: synonymous variant.
Genome position (GRCh38, 1-based): chr3:52,502,215, T>C. VCF-style: chr3-52502215-T-C. GRCh37 (hg19) VCF-style: chr3-52536231-T-C.
Identifiers: ClinVar variation 3904933 (VCV003904933.10).

ClinVar aggregate classification (germline): Likely benign (1 of 4 stars; one submission).

gnomAD v4.1: 64 of 1,612,300 alleles (0.004%); highest among the groups gnomAD compares: Middle Eastern, 0.068%; no homozygotes.

Submission:

CeGaT Center for Human Genetics Tuebingen
Classification: Likely benign. Last evaluated: 2025-06-01. Review status: criteria provided, single submitter. Criteria: CeGaT Center For Human Genetics Tuebingen Variant Classification Criteria Version 2. Collection method: clinical testing. Allele origin: germline. Affected: yes. Observed: 1 variant allele.
Comment: STAB1: BP4, BP7